The following is an entry in ClinVar:

NM_005477.3(HCN4):c.3184C>A (p.Pro1062Thr)

Gene: HCN4 (hyperpolarization activated cyclic nucleotide gated potassium channel 4; minus strand). Cytogenetic location: 15q24.1.
Variant type: single nucleotide variant.
Coding change: c.3184C>A on transcript NM_005477.3 (MANE Select); coding-DNA position 3184, C replaced by A.
Protein change: p.Pro1062Thr; replaces proline 1062 with threonine.
Molecular consequence: missense variant.
Genome position (GRCh38, 1-based): chr15:73,322,909, G>T on the plus strand (C>A on the coding strand, the complement: HCN4 is on the minus strand). VCF-style: chr15-73322909-G-T. GRCh37 (hg19) VCF-style: chr15-73615250-G-T.
Other names: short protein forms P1062T.
Identifiers: ClinVar variation 2850563 (VCV002850563.3), dbSNP rs2042870785, ClinGen allele CA393086054.

ClinVar aggregate classification (germline): Uncertain significance (1 of 4 stars; one submission).

Conditions:
Brugada syndrome 8 (BRGDA8). Identifiers: Orphanet 130, MedGen C2751083, MONDO:0013148, OMIM 613123.

gnomAD v4.1: 3 of 1,406,210 alleles (0.00021%); highest among the groups gnomAD compares: Non-Finnish European, 0.00028%; no homozygotes.

Submission:

Labcorp Genetics (formerly Invitae), Labcorp
Classification: Uncertain significance for Brugada syndrome 8. Last evaluated: 2023-04-26. Review status: criteria provided, single submitter. Criteria: Invitae Variant Classification Sherloc (09022015). Collection method: clinical testing. Allele origin: germline.
Comment: This variant is not present in population databases (gnomAD no frequency). This sequence change replaces proline, which is neutral and non-polar, with threonine, which is neutral and polar, at codon 1062 of the HCN4 protein (p.Pro1062Thr). This variant has not been reported in the literature in individuals affected with HCN4-related conditions. Advanced modeling of protein sequence and biophysical properties (such as structural, functional, and spatial information, amino acid conservation, physicochemical variation, residue mobility, and thermodynamic stability) performed at Invitae indicates that this missense variant is not expected to disrupt HCN4 protein function. In summary, the available evidence is currently insufficient to determine the role of this variant in disease. Therefore, it has been classified as a Variant of Uncertain Significance.